The following is an entry in ClinVar:

ClinVar aggregate classification (germline): Uncertain significance (1 of 4 stars; one submission).

Conditions:
Inborn genetic diseases. Identifiers: MedGen C0950123, MeSH D030342.

Allele frequency attached by ClinVar (database versions not stated): gnomAD exomes below 0.00001.
gnomAD v4.1: 1 of 1,611,654 alleles (0.000062%); highest among the groups gnomAD compares: Non-Finnish European, 0.000085%; no homozygotes.

Submission:

Ambry Genetics
Classification: Uncertain significance for Inborn genetic diseases. Last evaluated: 2024-01-25. Review status: criteria provided, single submitter. Criteria: Ambry Variant Classification Scheme 2023. Collection method: clinical testing. Allele origin: germline.
Comment: The p.C2389S variant (also known as c.7165T>A), located in coding exon 48 of the LRRK2 gene, results from a T to A substitution at nucleotide position 7165. The cysteine at codon 2389 is replaced by serine, an amino acid with dissimilar properties. This amino acid position is conserved. In addition, this alteration is predicted to be deleterious by in silico analysis. Based on the available evidence, the clinical significance of this alteration remains unclear.

NM_198578.4(LRRK2):c.7165T>A (p.Cys2389Ser)

Gene: LRRK2 (leucine rich repeat kinase 2; plus strand). Cytogenetic location: 12q12.
Variant type: single nucleotide variant.
Coding change: c.7165T>A on transcript NM_198578.4 (MANE Select); coding-DNA position 7165, T replaced by A.
Protein change: p.Cys2389Ser; replaces cysteine 2389 with serine.
Molecular consequence: missense variant.
Genome position (GRCh38, 1-based): chr12:40,363,538, T>A. VCF-style: chr12-40363538-T-A. GRCh37 (hg19) VCF-style: chr12-40757340-T-A.
Other names: short protein forms C2389S.
Identifiers: ClinVar variation 3229776 (VCV003229776.1), dbSNP rs2500027804, ClinGen allele CA384413586.